The following is an entry in ClinVar:

NM_024598.4(USB1):c.268G>A (p.Glu90Lys)

Gene: USB1 (U6 snRNA biogenesis phosphodiesterase 1; plus strand). Cytogenetic location: 16q21.
Variant type: single nucleotide variant.
Coding change: c.268G>A on transcript NM_024598.4 (MANE Select); coding-DNA position 268, G replaced by A.
Protein change: p.Glu90Lys; replaces glutamic acid 90 with lysine.
Molecular consequence: missense variant.
Genome position (GRCh38, 1-based): chr16:58,009,931, G>A. VCF-style: chr16-58009931-G-A. GRCh37 (hg19) VCF-style: chr16-58043835-G-A.
Other names: c.268G>A, p.Glu90Lys (NM_001195302.2, NM_001204911.2, NM_001330569.2); c.115G>A, p.Glu39Lys (NM_001330568.2); short protein forms E90K, E39K.
Identifiers: ClinVar variation 5031616 (VCV005031616.1).

ClinVar aggregate classification (germline): Uncertain significance (1 of 4 stars; one submission).

Conditions:
Inborn genetic diseases. Identifiers: MedGen C0950123, MeSH D030342.

Submission:

Ambry Genetics
Classification: Uncertain significance for Inborn genetic diseases. Last evaluated: 2026-08-09. Review status: criteria provided, single submitter. Criteria: Ambry Variant Classification Scheme 2023. Collection method: clinical testing. Allele origin: germline.
Comment: The p.E90K variant (also known as c.268G>A), located in coding exon 3 of the USB1 gene, results from a G to A substitution at nucleotide position 268. The glutamic acid at codon 90 is replaced by lysine, an amino acid with similar properties. This amino acid position is conserved. In addition, this alteration is predicted to be tolerated by in silico analysis. Based on the available evidence, the clinical significance of this variant remains unclear.